The following is an entry in ClinVar:

NM_001378418.1(TCF20):c.1405A>G (p.Thr469Ala)

Gene: TCF20 (transcription factor 20; minus strand). Cytogenetic location: 22q13.2.
Variant type: single nucleotide variant.
Coding change: c.1405A>G on transcript NM_001378418.1 (MANE Select); coding-DNA position 1405, A replaced by G.
Protein change: p.Thr469Ala; replaces threonine 469 with alanine.
Molecular consequence: missense variant.
Genome position (GRCh38, 1-based): chr22:42,213,901, T>C on the plus strand (A>G on the coding strand, the complement: TCF20 is on the minus strand). VCF-style: chr22-42213901-T-C. GRCh37 (hg19) VCF-style: chr22-42609907-T-C.
Other names: c.1405A>G, p.Thr469Ala (NM_005650.4, NM_181492.3); short protein forms T469A.
Identifiers: ClinVar variation 4070872 (VCV004070872.1).

ClinVar aggregate classification (germline): Uncertain significance (1 of 4 stars; one submission).

Submission:

GeneDx
Classification: Uncertain significance. Last evaluated: 2025-01-17. Review status: criteria provided, single submitter. Criteria: GeneDx Variant Classification Process June 2021. Collection method: clinical testing. Allele origin: germline. Affected: yes.
Comment: Not observed at significant frequency in large population cohorts (gnomAD); In silico analysis supports that this missense variant has a deleterious effect on protein structure/function; Has not been previously published as pathogenic or benign to our knowledge